The following is an entry in ClinVar:

ClinVar aggregate classification (germline): Uncertain significance (1 of 4 stars; one submission).

Allele frequency attached by ClinVar (database versions not stated): gnomAD exomes 0.00001.
gnomAD v4.1: 3 of 1,210,786 alleles (0.00025%); highest among the groups gnomAD compares: South Asian, 0.0018%; no homozygotes.

Submission:

Labcorp Genetics (formerly Invitae), Labcorp
Classification: Uncertain significance. Last evaluated: 2025-05-17. Review status: criteria provided, single submitter. Criteria: Invitae Variant Classification Sherloc (09022015). Collection method: clinical testing. Allele origin: germline.
Comment: This sequence change replaces isoleucine, which is neutral and non-polar, with valine, which is neutral and non-polar, at codon 156 of the RNF113A protein (p.Ile156Val). This variant is not present in population databases (gnomAD no frequency). This variant has not been reported in the literature in individuals affected with RNF113A-related conditions. ClinVar contains an entry for this variant (Variation ID: 2975328). Invitae Evidence Modeling of protein sequence and biophysical properties (such as structural, functional, and spatial information, amino acid conservation, physicochemical variation, residue mobility, and thermodynamic stability) indicates that this missense variant is not expected to disrupt RNF113A protein function with a negative predictive value of 80%. In summary, the available evidence is currently insufficient to determine the role of this variant in disease. Therefore, it has been classified as a Variant of Uncertain Significance.

NM_006978.3(RNF113A):c.466A>G (p.Ile156Val)

Gene: RNF113A (ring finger protein 113A; minus strand). Cytogenetic location: Xq24.
Variant type: single nucleotide variant.
Coding change: c.466A>G on transcript NM_006978.3 (MANE Select); coding-DNA position 466, A replaced by G.
Protein change: p.Ile156Val; replaces isoleucine 156 with valine.
Molecular consequence: missense variant.
Genome position (GRCh38, 1-based): chrX:119,871,148, T>C on the plus strand (A>G on the coding strand, the complement: RNF113A is on the minus strand). VCF-style: chrX-119871148-T-C. GRCh37 (hg19) VCF-style: chrX-119005111-T-C.
Other names: short protein forms I156V.
Identifiers: ClinVar variation 2975328 (VCV002975328.3), dbSNP rs898191677, ClinGen allele CA334110084.